The following is an entry in ClinVar:

NM_144670.6(A2ML1):c.2252C>T (p.Ala751Val)

Gene: A2ML1 (alpha-2-macroglobulin like 1; plus strand). Cytogenetic location: 12p13.31.
Variant type: single nucleotide variant.
Coding change: c.2252C>T on transcript NM_144670.6 (MANE Select); coding-DNA position 2252, C replaced by T.
Protein change: p.Ala751Val; replaces alanine 751 with valine.
Molecular consequence: missense variant.
Genome position (GRCh38, 1-based): chr12:8,851,801, C>T. VCF-style: chr12-8851801-C-T. GRCh37 (hg19) VCF-style: chr12-9004397-C-T.
Other names: c.779C>T, p.Ala260Val (NM_001282424.3); short protein forms A751V, A260V.
Identifiers: ClinVar variation 241890 (VCV000241890.21), dbSNP rs61741216, ClinGen allele CA6435968.

ClinVar aggregate classification (germline): Benign/Likely benign. Review status: criteria provided, multiple submitters, no conflicts (2 of 4 stars). 7 submissions from 7 submitters: Benign (4); Likely benign (1). 2 of the submissions do not count toward it. Last evaluated 2026-01-28.

Allele frequency attached by ClinVar (database versions not stated): 1000 Genomes Project 30x 0.00890; 1000 Genomes Project 0.00899; gnomAD 0.00915 and 0.00991; ESP Exome Variant Server 0.00957; TOPMed 0.00983.
gnomAD v4.1: 2,765 of 1,614,050 alleles (0.17%); highest among the groups gnomAD compares: African/African-American, 3.1%; 53 homozygotes.

Submissions (10):

Labcorp Genetics (formerly Invitae), Labcorp
Classification: Benign. Last evaluated: 2026-01-28. Review status: criteria provided, single submitter. Criteria: Invitae Variant Classification Sherloc (09022015). Collection method: clinical testing. Allele origin: germline.

Ambry Genetics
Classification: Likely benign. Last evaluated: 2022-10-07. Review status: criteria provided, single submitter. Criteria: Ambry Variant Classification Scheme 2023. Collection method: clinical testing. Allele origin: germline.

Women's Health and Genetics/Laboratory Corporation of America, LabCorp
Classification: Benign. Last evaluated: 2019-08-12. Review status: criteria provided, single submitter. Criteria: LabCorp Variant Classification Summary - May 2015. Collection method: clinical testing. Allele origin: germline.
Comment: Variant summary: A2ML1 c.2252C>T (p.Ala751Val) results in a non-conservative amino acid change located in the Alpha-2-macroglobulin domain of the encoded protein sequence. Four of five in-silico tools predict a benign effect of the variant on protein function. The variant allele was found at a frequency of 0.0022 in 249426 control chromosomes, predominantly at a frequency of 0.031 within the African or African-American subpopulation in the gnomAD database, including 13 homozygotes. The observed variant frequency within African or African-American control individuals in the gnomAD database is approximately 7750-folds over the estimated maximal expected allele frequency for a pathogenic variant in A2ML1 causing Noonan Syndrome phenotype (4e-06), strongly suggesting that the variant is a benign polymorphism found primarily in populations of African or African-American origin. Two ClinVar submissions (evaluation after 2014) cites the variant as benign. Based on the evidence outlined above, the variant was classified as benign.

GeneDx
Classification: Benign. Last evaluated: 2017-03-03. Review status: criteria provided, single submitter. Criteria: GeneDx Variant Classification (06012015). Collection method: clinical testing. Allele origin: germline. Affected: yes.
Comment: This variant is considered likely benign or benign based on one or more of the following criteria: it is a conservative change, it occurs at a poorly conserved position in the protein, it is predicted to be benign by multiple in silico algorithms, and/or has population frequency not consistent with disease.

Breakthrough Genomics
Classification: Benign. Review status: criteria provided, single submitter. Criteria: ACMG Guidelines, 2015. Collection method: not provided. Allele origin: germline. Inheritance: Autosomal dominant inheritance. Affected: yes.

Clinical Genetics, Academic Medical Center
Classification: Benign. Review status: no assertion criteria provided. Collection method: clinical testing. Allele origin: germline. Affected: yes. Study: VKGL Data-share Consensus. Not counted in ClinVar's aggregate classification.

Dr. Peter K. Rogan Lab, Western University
No classification provided (evidence only). Condition: Clear cell carcinoma of kidney. Review status: no classification provided. Collection method: in vitro. Allele origin: not applicable. Functional consequence: retained intron. Not counted in ClinVar's aggregate classification.

Dr. Peter K. Rogan Lab, Western University
No classification provided (evidence only). Condition: Lung cancer. Review status: no classification provided. Collection method: in vitro. Allele origin: not applicable. Functional consequence: retained intron. Not counted in ClinVar's aggregate classification.

Dr. Peter K. Rogan Lab, Western University
No classification provided (evidence only). Condition: Uterine carcinosarcoma. Review status: no classification provided. Collection method: in vitro. Allele origin: not applicable. Functional consequence: retained intron. Not counted in ClinVar's aggregate classification.

Joint Genome Diagnostic Labs from Nijmegen and Maastricht, Radboudumc and MUMC+
Classification: Benign. Review status: no assertion criteria provided. Collection method: clinical testing. Allele origin: germline. Affected: yes. Study: VKGL Data-share Consensus. Not counted in ClinVar's aggregate classification.